The following is an entry in ClinVar:

ClinVar aggregate classification (germline): Uncertain significance (1 of 4 stars; one submission).

Submission:

Labcorp Genetics (formerly Invitae), Labcorp
Classification: Uncertain significance. Last evaluated: 2021-08-28. Review status: criteria provided, single submitter. Criteria: Invitae Variant Classification Sherloc (09022015). Collection method: clinical testing. Allele origin: germline.
Comment: This sequence change replaces threonine with arginine at codon 1310 of the NBAS protein (p.Thr1310Arg). The threonine residue is highly conserved and there is a moderate physicochemical difference between threonine and arginine. This variant is not present in population databases (ExAC no frequency). This variant has not been reported in the literature in individuals affected with NBAS-related conditions. Algorithms developed to predict the effect of missense changes on protein structure and function are either unavailable or do not agree on the potential impact of this missense change (SIFT: "Deleterious"; PolyPhen-2: "Benign"; Align-GVGD: "Class C65"). In summary, the available evidence is currently insufficient to determine the role of this variant in disease. Therefore, it has been classified as a Variant of Uncertain Significance.

NM_015909.4(NBAS):c.3929C>G (p.Thr1310Arg)

Gene: NBAS (NBAS subunit of NRZ tethering complex; minus strand). Cytogenetic location: 2p24.3.
Variant type: single nucleotide variant.
Coding change: c.3929C>G on transcript NM_015909.4 (MANE Select); coding-DNA position 3929, C replaced by G.
Protein change: p.Thr1310Arg; replaces threonine 1310 with arginine.
Molecular consequence: missense variant. On other transcripts: non-coding transcript variant (1).
Genome position (GRCh38, 1-based): chr2:15,356,305, G>C on the plus strand (C>G on the coding strand, the complement: NBAS is on the minus strand). VCF-style: chr2-15356305-G-C. GRCh37 (hg19) VCF-style: chr2-15496429-G-C.
Other names: short protein forms T1310R.
Identifiers: ClinVar variation 1467075 (VCV001467075.5), dbSNP rs2148312216, ClinGen allele CA345891768.
Genomic context (GRCh38, chr2:15,356,305, plus strand): 5'-CCATTATCCATCACATAAAGAGGACATAAGCAAAGTGTTAAATAAGCTGTCTACTCACCT[G>C]TGGCCATCAGCTCCTGACAATGCATACTGGCTGCTTTGTAGTCATGGAAGCGAAGTGCCT-3'
Protein context (NP_056993.2, residues 1300-1320): ASMHCQELMA[Thr1310Arg]GYPKSWDVCS